The following is an entry in ClinVar:

NM_001195129.2(PRSS56):c.1522-8A>G

Gene: PRSS56 (serine protease 56; plus strand). Cytogenetic location: 2q37.1.
Variant type: single nucleotide variant.
Coding change: c.1522-8A>G on transcript NM_001195129.2 (MANE Select); 8 bases into the intron before coding-DNA position 1522, A replaced by G.
Molecular consequence: intron variant.
Genome position (GRCh38, 1-based): chr2:232,525,208, A>G. VCF-style: chr2-232525208-A-G. GRCh37 (hg19) VCF-style: chr2-233389918-A-G.
Other names: c.1525-8A>G (NM_001369848.1).
Identifiers: ClinVar variation 677664 (VCV000677664.11), dbSNP rs2853447, ClinGen allele CA2167805.
Genomic context (GRCh38, chr2:232,525,208, plus strand): 5'-GGTGACCTCTGGGGTTTCAACTCAGGAGTGAGTTTCTGGGCCCCTGATCCCCACTCCTCC[A>G]TCTGTAGGTCCTGGCAGATCTGGGCTCCAAGACACTGACCGGGCTTTTCAGAGCCTGGGT-3'

ClinVar aggregate classification (germline): Benign. Review status: criteria provided, multiple submitters, no conflicts (2 of 4 stars). 3 submissions from 3 submitters: Benign (3). Last evaluated 2026-02-02.

Conditions:
Isolated microphthalmia 6. Also called: MICROPHTHALMIA, POSTERIOR NONSYNDROMIC. Identifiers: Orphanet 2542, MedGen C3150757, MONDO:0013293, OMIM 613517.

Allele frequency attached by ClinVar (database versions not stated): gnomAD 0.69699 and 0.70005; TOPMed 0.69819; 1000 Genomes Project 0.70767; 1000 Genomes Project 30x 0.70971; gnomAD exomes 0.73624; ExAC 0.78379.

Submissions (3):

Labcorp Genetics (formerly Invitae), Labcorp
Classification: Benign for Isolated microphthalmia 6. Last evaluated: 2026-02-02. Review status: criteria provided, single submitter. Criteria: Invitae Variant Classification Sherloc (09022015). Collection method: clinical testing. Allele origin: germline.

GeneDx
Classification: Benign. Last evaluated: 2018-03-22. Review status: criteria provided, single submitter. Criteria: GeneDx Variant Classification (06012015). Collection method: clinical testing. Allele origin: germline. Affected: yes.
Comment: This variant is considered likely benign or benign based on one or more of the following criteria: it is a conservative change, it occurs at a poorly conserved position in the protein, it is predicted to be benign by multiple in silico algorithms, and/or has population frequency not consistent with disease.

Breakthrough Genomics
Classification: Benign. Review status: criteria provided, single submitter. Criteria: ACMG Guidelines, 2015. Collection method: not provided. Allele origin: germline. Inheritance: Autosomal recessive inheritance. Affected: yes.